The following is an entry in ClinVar:

ClinVar aggregate classification (germline): Uncertain significance (1 of 4 stars; one submission).

Submission:

GeneDx
Classification: Uncertain significance. Last evaluated: 2024-12-26. Review status: criteria provided, single submitter. Criteria: GeneDx Variant Classification Process June 2021. Collection method: clinical testing. Allele origin: germline. Affected: yes.
Comment: In silico analysis supports that this missense variant has a deleterious effect on protein structure/function; Has not been previously published as pathogenic or benign to our knowledge

NM_001393504.1(MAST3):c.2117A>G (p.His706Arg)

Gene: MAST3 (microtubule associated serine/threonine kinase 3; plus strand). Cytogenetic location: 19p13.11.
Variant type: single nucleotide variant.
Coding change: c.2117A>G on transcript NM_001393504.1 (MANE Select); coding-DNA position 2117, A replaced by G.
Protein change: p.His706Arg; replaces histidine 706 with arginine.
Molecular consequence: missense variant.
Genome position (GRCh38, 1-based): chr19:18,139,036, A>G. VCF-style: chr19-18139036-A-G. GRCh37 (hg19) VCF-style: chr19-18249846-A-G.
Other names: c.2141A>G, p.His714Arg (NM_001393501.1); c.2120A>G, p.His707Arg (NM_001393502.1); c.2117A>G, p.His706Arg (NM_001393503.1); c.2114A>G, p.His705Arg (NM_001393505.1); c.2069A>G, p.His690Arg (NM_001393506.1, NM_001393513.1); c.2096A>G, p.His699Arg (NM_001393507.1); c.2051A>G, p.His684Arg (NM_001393508.1, NM_001393516.1); c.2048A>G, p.His683Arg (NM_001393509.1, NM_001393510.1, NM_001393512.1 and 2 more transcripts); and 4 more; short protein forms H668R, H676R, H677R, H682R, H683R, H684R, H690R, H699R.
Identifiers: ClinVar variation 3907850 (VCV003907850.1).